The following is an entry in ClinVar:

ClinVar aggregate classification (germline): Pathogenic. Review status: criteria provided, multiple submitters, no conflicts (2 of 4 stars). 3 submissions from 3 submitters: Pathogenic (3). Last evaluated 2024-03-25.

Conditions:
Glucose-6-phosphate transport defect (GSD1B). Also called: Glycogen Storage Disease Type Ib; GSD Ib. Identifiers: Orphanet 364, Orphanet 79259, MedGen C0268146, MONDO:0009288, OMIM 232220.

Submissions (3):

Natera, Inc.
Classification: Pathogenic for Glycogen storage disease type Ib. Last evaluated: 2024-03-25. Review status: criteria provided, single submitter. Criteria: Natera Variant Classification Schema (03/2026). Collection method: clinical testing. Allele origin: germline.
Comment: The c.1123+1G>C variant in SLC37A4 is a canonical splice donor site variant predicted to affect pre-mRNA splicing, which may result in an abnormal transcript and altered protein product. This variant is expected to result in nonsense mediated decay, truncation, or a dysfunctional protein product. This variant is rare in the general population with a frequency below the threshold expected for the associated phenotype(s). This variant has been observed in one or more individuals affected with the associated recessive disease, as either homozygous or compound heterozygous with a second variant (PMID: 16716283). Another variant at this same site results in an alteration predicted to cause a similar molecular effect has been observed in individual(s) with the associated phenotype. Given the available evidence, this variant is classified as Pathogenic.

Labcorp Genetics (formerly Invitae), Labcorp
Classification: Pathogenic for Glucose-6-phosphate transport defect. Last evaluated: 2023-10-26. Review status: criteria provided, single submitter. Criteria: Invitae Variant Classification Sherloc (09022015). Collection method: clinical testing. Allele origin: germline.
Comment: This sequence change affects a donor splice site in intron 9 of the SLC37A4 gene. While this variant is not anticipated to result in nonsense mediated decay, it likely alters RNA splicing and results in a disrupted protein product. This variant is not present in population databases (gnomAD no frequency). Disruption of this splice site has been observed in individual(s) with clinical features of autosomal recessive SLC37A4-related conditions and/or glycogen storage disease type I (PMID: 10482875, 11071391, 16716283; Invitae). In at least one individual the data is consistent with being in trans (on the opposite chromosome) from a pathogenic variant. This variant is also known as IVS8+1G>C. ClinVar contains an entry for this variant (Variation ID: 583102). Variants that disrupt the consensus splice site are a relatively common cause of aberrant splicing (PMID: 17576681, 9536098). Algorithms developed to predict the effect of sequence changes on RNA splicing suggest that this variant may disrupt the consensus splice site. For these reasons, this variant has been classified as Pathogenic.

Victorian Clinical Genetics Services, Murdoch Childrens Research Institute
Classification: Pathogenic for Glucose-6-phosphate transport defect. Last evaluated: 2022-02-02. Review status: criteria provided, single submitter. Criteria: ACMG Guidelines, 2015. Collection method: clinical testing. Allele origin: germline. Inheritance: Autosomal recessive inheritance.
Comment: Based on the classification scheme VCGS_Germline_v1.3.4, this variant is classified as Pathogenic. Following criteria are met: 0102 - Loss of function is a known mechanism of disease in this gene and is associated with glycogen storage disease type Ib (GSD Ib) (MIM#232220). (I) 0106 - This gene is associated with autosomal recessive disease. (I) 0211 - Canonical splice site variant without proven consequence on splicing (no functional evidence available). (SP) 0251 - This variant is heterozygous. (I) 0301 - Variant is absent from gnomAD (both v2 and v3). (SP) 0505 - Abnormal splicing is predicted by in silico tools and affected nucleotide is highly conserved. (SP) 0701 - Other canonical splice variants comparable to the one identified in this case have very strong previous evidence for pathogenicity. Four different variants in the same splice junction have previously been reported, sometimes in an alternate transcript using different nomenclature, in at least five individuals with GSD Ib (MIM#232220) (HGMD, PMIDs: 10482875, 11071391, 15906092, 33977030). (SP) 0802 - This variant has moderate previous evidence of pathogenicity in unrelated individuals. The variant has previously been reported in a compound heterozygous state, sometimes in an alternate transcript using different nomenclature, in three individuals with GSD Ib (MIM#232220) (HGMD, PMIDs: 16716283, 25881301, 29549044). (SP) 0905 - No published segregation evidence has been identified for this variant. (I) 1007 - No published functional evidence has been identified for this variant. (I) Legend: (SP) - Supporting pathogenic, (I) - Information, (SB) - Supporting benign

Literature cited by the submitters: PubMed 16716283 (cited by 3 submitters); PubMed 10482875 (cited by Labcorp Genetics (formerly Invitae), Labcorp and Victorian Clinical Genetics Services, Murdoch Childrens Research Institute); PubMed 11071391 (cited by Labcorp Genetics (formerly Invitae), Labcorp and Victorian Clinical Genetics Services, Murdoch Childrens Research Institute); PubMed 17576681 (cited by Labcorp Genetics (formerly Invitae), Labcorp); PubMed 9536098 (cited by Labcorp Genetics (formerly Invitae), Labcorp); PubMed 15906092 (cited by Victorian Clinical Genetics Services, Murdoch Childrens Research Institute); PubMed 25881301 (cited by Victorian Clinical Genetics Services, Murdoch Childrens Research Institute); PubMed 29549044 (cited by Victorian Clinical Genetics Services, Murdoch Childrens Research Institute); PubMed 33977030 (cited by Victorian Clinical Genetics Services, Murdoch Childrens Research Institute).

NM_001164277.2(SLC37A4):c.1124+1G>C

Gene: SLC37A4 (solute carrier family 37 member 4; minus strand). Cytogenetic location: 11q23.3.
Variant type: single nucleotide variant.
Coding change: c.1124+1G>C on transcript NM_001164277.2 (MANE Select); the canonical splice donor site of the intron after coding-DNA position 1124, G replaced by C.
Molecular consequence: splice donor variant.
Genome position (GRCh38, 1-based): chr11:119,025,190, C>G on the plus strand (G>C on the coding strand, the complement: SLC37A4 is on the minus strand). VCF-style: chr11-119025190-C-G. GRCh37 (hg19) VCF-style: chr11-118895900-C-G.
Other names: c.905+1G>C (NM_001164279.2); c.1124+1G>C (NM_001467.6, NM_001164280.2); c.1190+1G>C (NM_001164278.2).
Identifiers: ClinVar variation 583102 (VCV000583102.12), dbSNP rs782630676, ClinGen allele CA382894998.
Genomic context (GRCh38, chr11:119,025,190, plus strand): 5'-ACTGGTCTATATGCAAAGCACAGGTGGGGGTGAGGGAGAGACTCTAGAAGTTAACACTTA[C>G]CATTGGCCATGAGTCCCACAATGGCGTGGGAGGTGCCACACAAGTTGGGAGGGGCACTCT-3'